The following is an entry in ClinVar:

NM_007194.4(CHEK2):c.846+3A>C

Gene: CHEK2 (checkpoint kinase 2; minus strand). Cytogenetic location: 22q12.1.
Variant type: single nucleotide variant.
Coding change: c.846+3A>C on transcript NM_007194.4 (MANE Select); 3 bases into the intron after coding-DNA position 846, A replaced by C.
Molecular consequence: intron variant.
Genome position (GRCh38, 1-based): chr22:28,710,003, T>G on the plus strand (A>C on the coding strand, the complement: CHEK2 is on the minus strand). VCF-style: chr22-28710003-T-G. GRCh37 (hg19) VCF-style: chr22-29105991-T-G.
Other names: c.183+3A>C (NM_001437942.1, NM_001257387.3); c.645+3A>C (NM_001349956.3); c.846+3A>C (NM_145862.3); c.939+3A>C (NM_001438295.1, NM_001438293.1); c.975+3A>C (NM_001438294.1, NM_001005735.3).
Identifiers: ClinVar variation 2680755 (VCV002680755.3), dbSNP rs1476026799, ClinGen allele CA2695200091.

ClinVar aggregate classification (germline): Uncertain significance. Review status: criteria provided, multiple submitters, no conflicts (2 of 4 stars). 2 submissions from 2 submitters: Uncertain significance (2). Last evaluated 2024-01-28.

Conditions:
Familial cancer of breast. Also called: hereditary breast carcinoma; BREAST CANCER, FAMILIAL; Hereditary breast cancer. Identifiers: Orphanet 227535, MedGen C0346153, MONDO:0016419, OMIM 114480. Disease mechanism: loss of function.

Submissions (2):

Labcorp Genetics (formerly Invitae), Labcorp
Classification: Uncertain significance for Familial cancer of breast. Last evaluated: 2024-01-28. Review status: criteria provided, single submitter. Criteria: Invitae Variant Classification Sherloc (09022015). Collection method: clinical testing. Allele origin: germline.
Comment: This sequence change falls in intron 7 of the CHEK2 gene. It does not directly change the encoded amino acid sequence of the CHEK2 protein. It affects a nucleotide within the consensus splice site. This variant is not present in population databases (gnomAD no frequency). This variant has not been reported in the literature in individuals affected with CHEK2-related conditions. Variants that disrupt the consensus splice site are a relatively common cause of aberrant splicing (PMID: 17576681, 9536098). Algorithms developed to predict the effect of sequence changes on RNA splicing suggest that this variant may disrupt the consensus splice site. In summary, the available evidence is currently insufficient to determine the role of this variant in disease. Therefore, it has been classified as a Variant of Uncertain Significance.

Baylor Genetics
Classification: Uncertain significance for Familial cancer of breast. Last evaluated: 2023-05-02. Review status: criteria provided, single submitter. Criteria: ACMG Guidelines, 2015. Collection method: clinical testing. Allele origin: unknown.

Literature cited by the submitters: PubMed 17576681 (cited by Labcorp Genetics (formerly Invitae), Labcorp); PubMed 9536098 (cited by Labcorp Genetics (formerly Invitae), Labcorp).